The following is an entry in ClinVar:

NM_032119.4(ADGRV1):c.9579C>A (p.Asn3193Lys)

Gene: ADGRV1 (adhesion G protein-coupled receptor V1; plus strand). Cytogenetic location: 5q14.3.
Variant type: single nucleotide variant.
Coding change: c.9579C>A on transcript NM_032119.4 (MANE Select); coding-DNA position 9579, C replaced by A.
Protein change: p.Asn3193Lys; replaces asparagine 3193 with lysine.
Molecular consequence: missense variant. On other transcripts: non-coding transcript variant (1).
Genome position (GRCh38, 1-based): chr5:90,720,179, C>A. VCF-style: chr5-90720179-C-A. GRCh37 (hg19) VCF-style: chr5-90015996-C-A.
Other names: short protein forms N3193K.
Identifiers: ClinVar variation 960680 (VCV000960680.10), dbSNP rs1027889901, ClinGen allele CA360399927.

ClinVar aggregate classification (germline): Uncertain significance (1 of 4 stars; one submission).

Allele frequency attached by ClinVar (database versions not stated): gnomAD exomes below 0.00001; TOPMed 0.00001.
gnomAD v4.1: 8 of 1,607,460 alleles (0.0005%); highest among the groups gnomAD compares: Non-Finnish European, 0.00068%; no homozygotes.

Submission:

Labcorp Genetics (formerly Invitae), Labcorp
Classification: Uncertain significance. Last evaluated: 2024-02-02. Review status: criteria provided, single submitter. Criteria: Invitae Variant Classification Sherloc (09022015). Collection method: clinical testing. Allele origin: germline.
Comment: This sequence change replaces asparagine, which is neutral and polar, with lysine, which is basic and polar, at codon 3193 of the ADGRV1 protein (p.Asn3193Lys). This variant is present in population databases (no rsID available, gnomAD 0.004%). This variant has not been reported in the literature in individuals affected with ADGRV1-related conditions. ClinVar contains an entry for this variant (Variation ID: 960680). Advanced modeling of protein sequence and biophysical properties (such as structural, functional, and spatial information, amino acid conservation, physicochemical variation, residue mobility, and thermodynamic stability) performed at Invitae indicates that this missense variant is not expected to disrupt ADGRV1 protein function with a negative predictive value of 95%. In summary, the available evidence is currently insufficient to determine the role of this variant in disease. Therefore, it has been classified as a Variant of Uncertain Significance.